The following is an entry in ClinVar:

ClinVar aggregate classification (germline): Pathogenic (1 of 4 stars; one submission).

Conditions:
Inborn genetic diseases. Identifiers: MedGen C0950123, MeSH D030342.

Submission:

Ambry Genetics
Classification: Pathogenic for Inborn genetic diseases. Last evaluated: 2023-12-19. Review status: criteria provided, single submitter. Criteria: Ambry Variant Classification Scheme 2023. Collection method: clinical testing. Allele origin: germline.
Comment: The c.1651G>T (p.G551*) alteration, located in exon 3 (coding exon 2) of the ASH1L gene, consists of a G to T substitution at nucleotide position 1651. This changes the amino acid from a glycine (G) to a stop codon at amino acid position 551. This alteration is expected to result in loss of function by premature protein truncation or nonsense-mediated mRNA decay. This variant was not reported in population-based cohorts in the Genome Aggregation Database (gnomAD). Based on the available evidence, this alteration is classified as pathogenic.

NM_018489.3(ASH1L):c.1651G>T (p.Gly551Ter)

Gene: ASH1L (ASH1 like histone lysine methyltransferase; minus strand). Cytogenetic location: 1q22.
Variant type: single nucleotide variant.
Coding change: c.1651G>T on transcript NM_018489.3 (MANE Select); coding-DNA position 1651, G replaced by T.
Protein change: p.Gly551Ter; replaces glycine 551 with a stop codon.
Molecular consequence: nonsense.
Genome position (GRCh38, 1-based): chr1:155,481,219, C>A on the plus strand (G>T on the coding strand, the complement: ASH1L is on the minus strand). VCF-style: chr1-155481219-C-A. GRCh37 (hg19) VCF-style: chr1-155451010-C-A.
Other names: c.1651G>T, p.Gly551Ter (NM_001366177.2); short protein forms G551*.
Identifiers: ClinVar variation 3130304 (VCV003130304.1), dbSNP rs1558151783, ClinGen allele CA342732124.
Genomic context (GRCh38, chr1:155,481,219, plus strand): 5'-GACTTCTGGTTAAAGGATTAACAGATACAGTAGGTGATGGGGAAGGGAGATTGCTTTCTC[C>A]TACTGCACTGAATGGGGATTTAGCGGTAGATACATCAGAAGCACCTCCCATTTTAAAGTC-3'